The following is an entry in ClinVar:

ClinVar aggregate classification (germline): Benign/Likely benign. Review status: criteria provided, multiple submitters, no conflicts (2 of 4 stars). 2 submissions from 2 submitters: Benign (1); Likely benign (1). Last evaluated 2019-02-02.

Conditions:
Glycogen storage disease IXd (GSD9D). Also called: GSD IXd; Muscle Phosphorylase Kinase Deficiency. Identifiers: Orphanet 715, MedGen C1845151, MONDO:0010362, OMIM 300559.

Allele frequency attached by ClinVar (database versions not stated): gnomAD exomes 0.00055; gnomAD 0.00314 and 0.00324; TOPMed 0.00382; 1000 Genomes Project 0.00530; 1000 Genomes Project 30x 0.00541.
gnomAD v4.1: 507 of 393,604 alleles (0.13%); highest among the groups gnomAD compares: African/African-American, 1.2%; 2 homozygotes.

Submissions (2):

GeneDx
Classification: Likely benign. Last evaluated: 2019-02-02. Review status: criteria provided, single submitter. Criteria: GeneDx Variant Classification Process June 2021. Collection method: clinical testing. Allele origin: germline. Affected: yes.

Illumina Laboratory Services, Illumina
Classification: Benign for Glycogen storage disease IXd. Last evaluated: 2018-01-13. Review status: criteria provided, single submitter. Criteria: ICSL Variant Classification Criteria 13 December 2019. Collection method: clinical testing. Allele origin: germline.
Comment: This variant was observed in the ICSL laboratory as part of a predisposition screen in an ostensibly healthy population. It had not been previously curated by ICSL or reported in the Human Gene Mutation Database (HGMD: prior to June 1st, 2018), and was therefore a candidate for classification through an automated scoring system. Utilizing variant allele frequency, disease prevalence and penetrance estimates, and inheritance mode, an automated score was calculated to assess if this variant is too frequent to cause the disease. Based on the score and internal cut-off values, a variant classified as benign is not then subjected to further curation. The score for this variant resulted in a classification of benign for this disease.

NM_002637.4(PHKA1):c.-261C>A

Gene: PHKA1 (phosphorylase kinase regulatory subunit alpha 1; minus strand). Cytogenetic location: Xq13.1.
Variant type: single nucleotide variant.
Coding change: c.-261C>A on transcript NM_002637.4 (MANE Select); 261 bases upstream of the start codon, C replaced by A.
Molecular consequence: 5 prime UTR variant.
Genome position (GRCh38, 1-based): chrX:72,714,141, G>T on the plus strand (C>A on the coding strand, the complement: PHKA1 is on the minus strand). VCF-style: chrX-72714141-G-T. GRCh37 (hg19) VCF-style: chrX-71933989-G-T.
Other names: c.-261C>A (NM_001122670.2, NM_001172436.2).
Identifiers: ClinVar variation 914073 (VCV000914073.7), dbSNP rs782574152, ClinGen allele CA331161065.